The following is an entry in ClinVar:

NM_024422.6(DSC2):c.782C>T (p.Thr261Ile)

Gene: DSC2 (desmocollin 2; minus strand). Cytogenetic location: 18q12.1.
Variant type: single nucleotide variant.
Coding change: c.782C>T on transcript NM_024422.6 (MANE Select); coding-DNA position 782, C replaced by T.
Protein change: p.Thr261Ile; replaces threonine 261 with isoleucine.
Molecular consequence: missense variant.
Genome position (GRCh38, 1-based): chr18:31,086,736, G>A on the plus strand (C>T on the coding strand, the complement: DSC2 is on the minus strand). VCF-style: chr18-31086736-G-A. GRCh37 (hg19) VCF-style: chr18-28666699-G-A.
Other names: c.353C>T, p.Thr118Ile (NM_001406506.1, NM_001406507.1); c.782C>T, p.Thr261Ile (NM_004949.5); short protein forms T118I, T261I.
Identifiers: ClinVar variation 1760800 (VCV001760800.7), dbSNP rs754739387, ClinGen allele CA040076.

ClinVar aggregate classification (germline): Uncertain significance. Review status: criteria provided, multiple submitters, no conflicts (2 of 4 stars). 3 submissions from 3 submitters: Uncertain significance (3). Last evaluated 2024-12-05.

Conditions:
Arrhythmogenic right ventricular dysplasia 11. Also called: Arrhythmogenic Right Ventricular Dysplasia/Cardiomyopathy11; ARRHYTHMOGENIC RIGHT VENTRICULAR DYSPLASIA, FAMILIAL, 11; Arrhythmogenic right ventricular dysplasia 11 with mild palmoplantar keratoderma and woolly hair. Identifiers: MedGen C1864850, MONDO:0012506, OMIM 610476.
Familial isolated arrhythmogenic right ventricular dysplasia. Identifiers: Orphanet 217656, MedGen C4274968, MONDO:0016342.
Cardiovascular phenotype. Identifiers: MedGen CN230736.

Allele frequency attached by ClinVar (database versions not stated): ExAC 0.00001; gnomAD exomes 0.00002.
gnomAD v4.1: 36 of 1,614,002 alleles (0.0022%); highest among the groups gnomAD compares: Non-Finnish European, 0.003%; no homozygotes.

Submissions (3):

Labcorp Genetics (formerly Invitae), Labcorp
Classification: Uncertain significance for Arrhythmogenic right ventricular dysplasia 11. Last evaluated: 2024-12-05. Review status: criteria provided, single submitter. Criteria: Invitae Variant Classification Sherloc (09022015). Collection method: clinical testing. Allele origin: germline.
Comment: This sequence change replaces threonine, which is neutral and polar, with isoleucine, which is neutral and non-polar, at codon 261 of the DSC2 protein (p.Thr261Ile). This variant is present in population databases (rs754739387, gnomAD 0.002%). This variant has not been reported in the literature in individuals affected with DSC2-related conditions. ClinVar contains an entry for this variant (Variation ID: 1760800). Invitae Evidence Modeling of protein sequence and biophysical properties (such as structural, functional, and spatial information, amino acid conservation, physicochemical variation, residue mobility, and thermodynamic stability) indicates that this missense variant is not expected to disrupt DSC2 protein function with a negative predictive value of 80%. In summary, the available evidence is currently insufficient to determine the role of this variant in disease. Therefore, it has been classified as a Variant of Uncertain Significance.

All of Us Research Program, National Institutes of Health
Classification: Uncertain significance for Familial isolated arrhythmogenic right ventricular dysplasia. Last evaluated: 2024-05-30. Review status: criteria provided, single submitter. Criteria: ACMG Guidelines, 2015. Collection method: clinical testing. Allele origin: germline. Inheritance: Autosomal dominant inheritance. Observed: 1 variant allele, 1 heterozygote.
Comment: This missense variant replaces threonine with isoleucine at codon 261 of the DSC2 protein. Computational prediction suggests that this variant may not impact protein structure and function (internally defined REVEL score threshold <= 0.5, PMID: 27666373). To our knowledge, functional studies have not been reported for this variant. This variant has not been reported in individuals affected with DSC2-related disorders in the literature. This variant has been identified in 2/251072 chromosomes in the general population by the Genome Aggregation Database (gnomAD). The available evidence is insufficient to determine the role of this variant in disease conclusively. Therefore, this variant is classified as a Variant of Uncertain Significance.

This study involves interpretation of variants in research participants for the purpose of population health screening. Participant phenotype was not available at the time of variant classification. Additional details can be found in publication PMID: 35346344, PMCID: PMC8962531

Ambry Genetics
Classification: Uncertain significance for Cardiovascular phenotype. Last evaluated: 2020-05-22. Review status: criteria provided, single submitter. Criteria: Ambry Variant Classification Scheme 2023. Collection method: clinical testing. Allele origin: germline.
Comment: The p.T261I variant (also known as c.782C>T), located in coding exon 7 of the DSC2 gene, results from a C to T substitution at nucleotide position 782. The threonine at codon 261 is replaced by isoleucine, an amino acid with similar properties. This amino acid position is not well conserved in available vertebrate species, and isoleucine is the reference amino acid in other vertebrate species. In addition, this alteration is predicted to be tolerated by in silico analysis. Since supporting evidence is limited at this time, the clinical significance of this alteration remains unclear.